The following is an entry in ClinVar:

NM_005188.4(CBL):c.430A>C (p.Asn144His)

Gene: CBL (Cbl proto-oncogene; plus strand). Cytogenetic location: 11q23.3.
Variant type: single nucleotide variant.
Coding change: c.430A>C on transcript NM_005188.4 (MANE Select); coding-DNA position 430, A replaced by C.
Protein change: p.Asn144His; replaces asparagine 144 with histidine.
Molecular consequence: missense variant.
Genome position (GRCh38, 1-based): chr11:119,232,682, A>C. VCF-style: chr11-119232682-A-C. GRCh37 (hg19) VCF-style: chr11-119103392-A-C.
Other names: short protein forms N144H.
Identifiers: ClinVar variation 3485607 (VCV003485607.1).
Genomic context (GRCh38, chr11:119,232,682, plus strand): 5'-AAGAAAACTAAGCAAACCATAAGCCTCTTCAAGGAGGGAAAAGAAAGAATGTATGAGGAG[A>C]ATTCTCAGCCTAGGTAATGGAGAAATACTACACAAATAATTATGCAGGTCTGTGACTGCC-3'
Protein context (NP_005179.2, residues 134-154): KEGKERMYEE[Asn144His]SQPRRNLTKL

ClinVar aggregate classification (germline): Uncertain significance (1 of 4 stars; one submission).

Conditions:
Cardiovascular phenotype. Identifiers: MedGen CN230736.

gnomAD v4.1: 1 of 1,613,512 alleles (0.000062%); highest among the groups gnomAD compares: Non-Finnish European, 0.000085%; no homozygotes.

Submission:

Ambry Genetics
Classification: Uncertain significance for Cardiovascular phenotype. Last evaluated: 2024-11-22. Review status: criteria provided, single submitter. Criteria: Ambry Variant Classification Scheme 2023. Collection method: clinical testing. Allele origin: germline.
Comment: The p.N144H variant (also known as c.430A>C), located in coding exon 2 of the CBL gene, results from an A to C substitution at nucleotide position 430. The asparagine at codon 144 is replaced by histidine, an amino acid with similar properties. This amino acid position is conserved. In addition, the in silico prediction for this alteration is inconclusive. Based on the available evidence, the clinical significance of this variant remains unclear.